The following is an entry in ClinVar:

NM_005359.6(SMAD4):c.1308+4A>T

Gene: SMAD4 (SMAD family member 4; plus strand). Cytogenetic location: 18q21.2.
Variant type: single nucleotide variant.
Coding change: c.1308+4A>T on transcript NM_005359.6 (MANE Select); 4 bases into the intron after coding-DNA position 1308, A replaced by T.
Molecular consequence: intron variant.
Genome position (GRCh38, 1-based): chr18:51,067,191, A>T. VCF-style: chr18-51067191-A-T. GRCh37 (hg19) VCF-style: chr18-48593561-A-T.
Identifiers: ClinVar variation 492467 (VCV000492467.12), dbSNP rs1555686626, ClinGen allele CA658684195.

ClinVar aggregate classification (germline): Uncertain significance. Review status: criteria provided, multiple submitters, no conflicts (2 of 4 stars). 3 submissions from 3 submitters: Uncertain significance (3). Last evaluated 2025-09-24.

Conditions:
Juvenile polyposis syndrome (JPS). Identifiers: Orphanet 2929, MedGen C0345893, MONDO:0017380, OMIM 174900.
Hereditary cancer-predisposing syndrome. Also called: Tumor predisposition; Neoplastic Syndromes, Hereditary; Hereditary Cancer Syndrome; Hereditary neoplastic syndrome. Identifiers: Orphanet 140162, MedGen C0027672, MeSH D009386, MONDO:0015356.

Allele frequency attached by ClinVar (database versions not stated): gnomAD exomes below 0.00001; TOPMed below 0.00001.
gnomAD v4.1: 1 of 1,520,774 alleles (0.000066%); highest among the groups gnomAD compares: Admixed American, 0.0017%; no homozygotes.

Submissions (3):

Labcorp Genetics (formerly Invitae), Labcorp
Classification: Uncertain significance for Juvenile polyposis syndrome. Last evaluated: 2025-09-24. Review status: criteria provided, single submitter. Criteria: Invitae Variant Classification Sherloc (09022015). Collection method: clinical testing. Allele origin: germline.
Comment: This sequence change falls in intron 10 of the SMAD4 gene. It does not directly change the encoded amino acid sequence of the SMAD4 protein. It affects a nucleotide within the consensus splice site. This variant is not present in population databases (gnomAD no frequency). This variant has not been reported in the literature in individuals affected with SMAD4-related conditions. ClinVar contains an entry for this variant (Variation ID: 492467). Variants that disrupt the consensus splice site are a relatively common cause of aberrant splicing (PMID: 17576681, 9536098). Algorithms developed to predict the effect of sequence changes on RNA splicing suggest that this variant is not likely to affect RNA splicing. In summary, the available evidence is currently insufficient to determine the role of this variant in disease. Therefore, it has been classified as a Variant of Uncertain Significance.

GeneDx
Classification: Uncertain significance. Last evaluated: 2024-01-10. Review status: criteria provided, single submitter. Criteria: GeneDx Variant Classification Process June 2021. Collection method: clinical testing. Allele origin: germline. Affected: yes.
Comment: Not observed at significant frequency in large population cohorts (gnomAD); In silico analysis supports that this variant does not alter splicing; Has not been previously published as pathogenic or benign to our knowledge

Color Diagnostics, LLC DBA Color Health
Classification: Uncertain significance for Hereditary cancer-predisposing syndrome. Last evaluated: 2019-04-04. Review status: criteria provided, single submitter. Criteria: ACMG Guidelines, 2015. Collection method: clinical testing. Allele origin: germline.

Literature cited by the submitters: PubMed 17576681 (cited by Labcorp Genetics (formerly Invitae), Labcorp); PubMed 9536098 (cited by Labcorp Genetics (formerly Invitae), Labcorp).